The following is an entry in ClinVar:

NM_001365951.3(KIF1B):c.4130A>G (p.Tyr1377Cys)

Gene: KIF1B (kinesin family member 1B; plus strand). Cytogenetic location: 1p36.22.
Variant type: single nucleotide variant.
Coding change: c.4130A>G on transcript NM_001365951.3 (MANE Select); coding-DNA position 4130, A replaced by G.
Protein change: p.Tyr1377Cys; replaces tyrosine 1377 with cysteine.
Molecular consequence: missense variant.
Genome position (GRCh38, 1-based): chr1:10,361,003, A>G. VCF-style: chr1-10361003-A-G. GRCh37 (hg19) VCF-style: chr1-10421061-A-G.
Other names: c.4130A>G, p.Tyr1377Cys (NM_001365952.1); c.3992A>G, p.Tyr1331Cys (NM_015074.3); short protein forms Y1377C, Y1331C.
Identifiers: ClinVar variation 1736781 (VCV001736781.3), dbSNP rs1638407452, ClinGen allele CA338316385.
Genomic context (GRCh38, chr1:10,361,003, plus strand): 5'-TTGAGGCTGTGTGGGATAGCTCTCTGCATAACTCCCTTCTTCTGAACCGAGTGACACCCT[A>G]TGGAGAAAAGATCTACATGACCTTGTCGGCCTACCTAGAGGTGAGGAGACTTGGAACTTC-3'
Protein context (NP_001352880.1, residues 1367-1387): NSLLLNRVTP[Tyr1377Cys]GEKIYMTLSA

ClinVar aggregate classification (germline): Uncertain significance (1 of 4 stars; one submission).

Allele frequency attached by ClinVar (database versions not stated): TOPMed 0.00001.
gnomAD v4.1: 2 of 1,613,946 alleles (0.00012%); highest among the groups gnomAD compares: South Asian, 0.0011%; no homozygotes.

Submission:

Ambry Genetics
Classification: Uncertain significance. Last evaluated: 2025-09-11. Review status: criteria provided, single submitter. Criteria: Ambry Variant Classification Scheme 2023. Collection method: clinical testing. Allele origin: germline.
Comment: The p.Y1331C variant (also known as c.3992A>G), located in coding exon 36 of the KIF1B gene, results from an A to G substitution at nucleotide position 3992. The tyrosine at codon 1331 is replaced by cysteine, an amino acid with highly dissimilar properties. This amino acid position is conserved. In addition, the in silico prediction for this alteration is inconclusive. Since supporting evidence is limited at this time, the clinical significance of this alteration remains unclear.